The following is an entry in ClinVar:

NM_018993.4(RIN2):c.189C>T (p.Ser63=)

Gene: RIN2 (Ras and Rab interactor 2; plus strand). Cytogenetic location: 20p11.23.
Variant type: single nucleotide variant.
Coding change: c.189C>T on transcript NM_018993.4 (MANE Select); coding-DNA position 189, C replaced by T.
Protein change: p.Ser63=; no amino-acid change (serine 63 retained).
Molecular consequence: synonymous variant. On other transcripts: 5 prime UTR variant (1).
Genome position (GRCh38, 1-based): chr20:19,956,645, C>T. VCF-style: chr20-19956645-C-T. GRCh37 (hg19) VCF-style: chr20-19937289-C-T.
Other names: c.336C>T, p.Ser112= (NM_001242581.2); c.-357C>T (NM_001378238.1).
Identifiers: ClinVar variation 507645 (VCV000507645.35), dbSNP rs368413043, ClinGen allele CA9779756.

ClinVar aggregate classification (germline): Likely benign. Review status: criteria provided, multiple submitters, no conflicts (2 of 4 stars). 4 submissions from 4 submitters: Likely benign (4). Last evaluated 2026-01-20.

Allele frequency attached by ClinVar (database versions not stated): gnomAD 0.00075 and 0.00080; gnomAD exomes 0.00086; ESP Exome Variant Server 0.00096; ExAC 0.00081; TOPMed 0.00085.
gnomAD v4.1: 1,608 of 1,613,280 alleles (0.1%); highest among the groups gnomAD compares: Non-Finnish European, 0.12%; 3 homozygotes.

Submissions (4):

Labcorp Genetics (formerly Invitae), Labcorp
Classification: Likely benign. Last evaluated: 2026-01-20. Review status: criteria provided, single submitter. Criteria: Invitae Variant Classification Sherloc (09022015). Collection method: clinical testing. Allele origin: germline.

Blueprint Genetics
Classification: Likely benign. Last evaluated: 2024-10-23. Review status: criteria provided, single submitter. Criteria: ACMG Guidelines, 2015. Collection method: clinical testing. Allele origin: germline.

CeGaT Center for Human Genetics Tuebingen
Classification: Likely benign. Last evaluated: 2023-05-01. Review status: criteria provided, single submitter. Criteria: CeGaT Center For Human Genetics Tuebingen Variant Classification Criteria Version 2. Collection method: clinical testing. Allele origin: germline. Affected: yes. Observed: 1 variant allele.
Comment: RIN2: BP4, BP7

GeneDx
Classification: Likely benign. Last evaluated: 2018-01-03. Review status: criteria provided, single submitter. Criteria: GeneDx Variant Classification (06012015). Collection method: clinical testing. Allele origin: germline. Affected: yes.
Comment: This variant is considered likely benign or benign based on one or more of the following criteria: it is a conservative change, it occurs at a poorly conserved position in the protein, it is predicted to be benign by multiple in silico algorithms, and/or has population frequency not consistent with disease.